The following is an entry in ClinVar:

NM_001384732.1(CPLANE1):c.6916A>T (p.Thr2306Ser)

Gene: CPLANE1 (ciliogenesis and planar polarity effector complex subunit 1; minus strand). Cytogenetic location: 5p13.2.
Variant type: single nucleotide variant.
Coding change: c.6916A>T on transcript NM_001384732.1 (MANE Select); coding-DNA position 6916, A replaced by T.
Protein change: p.Thr2306Ser; replaces threonine 2306 with serine.
Molecular consequence: missense variant.
Genome position (GRCh38, 1-based): chr5:37,169,108, T>A on the plus strand (A>T on the coding strand, the complement: CPLANE1 is on the minus strand). VCF-style: chr5-37169108-T-A. GRCh37 (hg19) VCF-style: chr5-37169210-T-A.
Other names: c.6916A>T, p.Thr2306Ser (NM_023073.4); short protein forms T2306S.
Identifiers: ClinVar variation 2019597 (VCV002019597.4), dbSNP rs1308328787, ClinGen allele CA359479254.

ClinVar aggregate classification (germline): Uncertain significance (1 of 4 stars; one submission).

Submission:

Labcorp Genetics (formerly Invitae), Labcorp
Classification: Uncertain significance. Last evaluated: 2022-07-25. Review status: criteria provided, single submitter. Criteria: Invitae Variant Classification Sherloc (09022015). Collection method: clinical testing. Allele origin: germline.
Comment: This sequence change replaces threonine, which is neutral and polar, with serine, which is neutral and polar, at codon 2306 of the CPLANE1 protein (p.Thr2306Ser). In summary, the available evidence is currently insufficient to determine the role of this variant in disease. Therefore, it has been classified as a Variant of Uncertain Significance. Advanced modeling of protein sequence and biophysical properties (such as structural, functional, and spatial information, amino acid conservation, physicochemical variation, residue mobility, and thermodynamic stability) performed at Invitae indicates that this missense variant is not expected to disrupt CPLANE1 protein function. This variant has not been reported in the literature in individuals affected with CPLANE1-related conditions. This variant is present in population databases (no rsID available, gnomAD 0.007%).